The following is an entry in ClinVar:

NM_198253.3(TERT):c.2001C>G (p.Tyr667Ter)

Gene: TERT (telomerase reverse transcriptase; minus strand). Cytogenetic location: 5p15.33.
Variant type: single nucleotide variant.
Coding change: c.2001C>G on transcript NM_198253.3 (MANE Select); coding-DNA position 2001, C replaced by G.
Protein change: p.Tyr667Ter; replaces tyrosine 667 with a stop codon.
Molecular consequence: nonsense. On other transcripts: non-coding transcript variant (2).
Genome position (GRCh38, 1-based): chr5:1,279,420, G>C on the plus strand (C>G on the coding strand, the complement: TERT is on the minus strand). VCF-style: chr5-1279420-G-C. GRCh37 (hg19) VCF-style: chr5-1279535-G-C.
Other names: c.2001C>G, p.Tyr667Ter (NM_001193376.3); short protein forms Y667*.
Identifiers: ClinVar variation 3755328 (VCV003755328.2).

ClinVar aggregate classification (germline): Pathogenic (1 of 4 stars; one submission).

Conditions:
Dyskeratosis congenita, autosomal dominant 2. Identifiers: MedGen C3151443, MONDO:0013521, OMIM 613989.
Idiopathic Pulmonary Fibrosis. Also called: Idiopathic fibrosing alveolitis, chronic form; idiopathic fibrosing alveolitis. Identifiers: Orphanet 2032, MedGen C1800706, MeSH D054990, MONDO:0800504.

Submission:

Labcorp Genetics (formerly Invitae), Labcorp
Classification: Pathogenic for Dyskeratosis congenita, autosomal dominant 2; Idiopathic Pulmonary Fibrosis. Last evaluated: 2024-03-16. Review status: criteria provided, single submitter. Criteria: Invitae Variant Classification Sherloc (09022015). Collection method: clinical testing. Allele origin: germline.
Comment: This sequence change creates a premature translational stop signal (p.Tyr667*) in the TERT gene. It is expected to result in an absent or disrupted protein product. Loss-of-function variants in TERT are known to be pathogenic (PMID: 16247010, 17460043). This variant is not present in population databases (gnomAD no frequency). This variant has not been reported in the literature in individuals affected with TERT-related conditions. For these reasons, this variant has been classified as Pathogenic.

Literature cited by the submitters: PubMed 16247010; PubMed 17460043.